The following is an entry in ClinVar:

NM_145046.5(CALR3):c.452A>G (p.Lys151Arg)

Gene: CALR3 (calreticulin 3; minus strand). Cytogenetic location: 19p13.11.
Variant type: single nucleotide variant.
Coding change: c.452A>G on transcript NM_145046.5 (MANE Select); coding-DNA position 452, A replaced by G.
Protein change: p.Lys151Arg; replaces lysine 151 with arginine.
Molecular consequence: missense variant.
Genome position (GRCh38, 1-based): chr19:16,485,203, T>C on the plus strand (A>G on the coding strand, the complement: CALR3 is on the minus strand). VCF-style: chr19-16485203-T-C. GRCh37 (hg19) VCF-style: chr19-16596014-T-C.
Other names: short protein forms K151R.
Identifiers: ClinVar variation 1000661 (VCV001000661.9), dbSNP rs1297452902, ClinGen allele CA404610700.

ClinVar aggregate classification (germline): Uncertain significance (1 of 4 stars; one submission).

Conditions:
Hypertrophic cardiomyopathy 19. Also called: Familial hypertrophic cardiomyopathy 19. Identifiers: MedGen CN077603, MONDO:0013476.

Allele frequency attached by ClinVar (database versions not stated): gnomAD exomes below 0.00001.
gnomAD v4.1: 2 of 1,610,898 alleles (0.00012%); highest among the groups gnomAD compares: Admixed American, 0.0033%; no homozygotes.

Submission:

Labcorp Genetics (formerly Invitae), Labcorp
Classification: Uncertain significance for Hypertrophic cardiomyopathy 19. Last evaluated: 2020-10-13. Review status: criteria provided, single submitter. Criteria: Invitae Variant Classification Sherloc (09022015). Collection method: clinical testing. Allele origin: germline.
Comment: This sequence change replaces lysine with arginine at codon 151 of the CALR3 protein (p.Lys151Arg). The lysine residue is highly conserved and there is a small physicochemical difference between lysine and arginine. This variant is not present in population databases (ExAC no frequency). This variant has not been reported in the literature in individuals with CALR3-related conditions. Algorithms developed to predict the effect of missense changes on protein structure and function (SIFT, PolyPhen-2, Align-GVGD) all suggest that this variant is likely to be tolerated, but these predictions have not been confirmed by published functional studies and their clinical significance is uncertain. Algorithms developed to predict the effect of sequence changes on RNA splicing suggest that this variant may create or strengthen a splice site, but this prediction has not been confirmed by published transcriptional studies. In summary, the available evidence is currently insufficient to determine the role of this variant in disease. Therefore, it has been classified as a Variant of Uncertain Significance.